The following is an entry in ClinVar:

NM_001367624.2(ZNF469):c.6178T>G (p.Ser2060Ala)

Gene: ZNF469 (zinc finger protein 469; plus strand). Cytogenetic location: 16q24.2.
Variant type: single nucleotide variant.
Coding change: c.6178T>G on transcript NM_001367624.2 (MANE Select); coding-DNA position 6178, T replaced by G.
Protein change: p.Ser2060Ala; replaces serine 2060 with alanine.
Molecular consequence: missense variant.
Genome position (GRCh38, 1-based): chr16:88,433,648, T>G. VCF-style: chr16-88433648-T-G. GRCh37 (hg19) VCF-style: chr16-88500056-T-G.
Other names: NM_001127464.1:c.6094T>G; short protein forms S2060A.
Identifiers: ClinVar variation 1751525 (VCV001751525.2), dbSNP rs1597211061, ClinGen allele CA397104491.

ClinVar aggregate classification (germline): Uncertain significance (1 of 4 stars; one submission).

Conditions:
Cardiovascular phenotype. Identifiers: MedGen CN230736.

Submission:

Ambry Genetics
Classification: Uncertain significance for Cardiovascular phenotype. Last evaluated: 2022-06-19. Review status: criteria provided, single submitter. Criteria: Ambry Variant Classification Scheme 2023. Collection method: clinical testing. Allele origin: germline.
Comment: The p.S2032A variant (also known as c.6094T>G), located in coding exon 2 of the ZNF469 gene, results from a T to G substitution at nucleotide position 6094. The serine at codon 2032 is replaced by alanine, an amino acid with similar properties. This amino acid position is conserved. In addition, this alteration is predicted to be tolerated by in silico analysis. Since supporting evidence is limited at this time, the clinical significance of this alteration remains unclear.